The following is an entry in ClinVar:

NM_001042492.3(NF1):c.7034_7035delinsG (p.Leu2345fs)

Gene: NF1 (neurofibromin 1; plus strand). Cytogenetic location: 17q11.2.
Variant type: Indel.
Coding change: c.7034_7035delinsG on transcript NM_001042492.3 (MANE Select); coding-DNA positions 7034 to 7035, TA replaced by G.
Protein change: p.Leu2345fs; shifts the reading frame from leucine 2345.
Molecular consequence: frameshift variant.
Genome position (GRCh38, 1-based): chr17:31,340,617-31,340,618, TA replaced by G. VCF-style: chr17-31340617-TA-G. GRCh37 (hg19) VCF-style: chr17-29667635-TA-G.
Other names: c.6971_6972delinsG, p.Leu2324fs (NM_000267.4); short protein forms L2345fs, L2324fs.
Identifiers: ClinVar variation 4775729 (VCV004775729.1).

ClinVar aggregate classification (germline): Pathogenic (1 of 4 stars; one submission).

Conditions:
Neurofibromatosis, type 1 (NF1). Also called: Neurofibromatosis, type I; VON RECKLINGHAUSEN DISEASE; NEUROFIBROMATOSIS, TYPE I, SOMATIC; Peripheral type neurofibromatosis. Identifiers: Orphanet 636, MedGen C0027831, MONDO:0018975, OMIM 162200. Disease mechanism: loss of function.

Submission:

Labcorp Genetics (formerly Invitae), Labcorp
Classification: Pathogenic for Neurofibromatosis, type 1. Last evaluated: 2021-02-15. Review status: criteria provided, single submitter. Criteria: Invitae Variant Classification Sherloc (09022015). Collection method: clinical testing. Allele origin: germline.
Comment: This sequence change creates a premature translational stop signal (p.Leu2324Trpfs*51) in the NF1 gene. It is expected to result in an absent or disrupted protein product. Loss-of-function variants in NF1 are known to be pathogenic (PMID: 10712197, 23913538). This variant is not present in population databases (ExAC no frequency). This variant has not been reported in the literature in individuals with NF1-related conditions. For these reasons, this variant has been classified as Pathogenic.

Literature cited by the submitters: PubMed 10712197; PubMed 23913538.